The following is an entry in ClinVar:

ClinVar aggregate classification (germline): Uncertain significance (1 of 4 stars; one submission).

Conditions:
Fanconi anemia (FA). Also called: Fanconi's anemia. Identifiers: Orphanet 84, MedGen C0015625, MeSH D005199, MONDO:0019391.

Allele frequency attached by ClinVar (database versions not stated): ExAC 0.00001.
gnomAD v4.1: 5 of 1,613,748 alleles (0.00031%); highest among the groups gnomAD compares: South Asian, 0.0044%; no homozygotes.

Submission:

Sema4
Classification: Uncertain significance for Fanconi anemia. Last evaluated: 2021-06-03. Review status: criteria provided, single submitter. Criteria: Sema4 Curation Guidelines. Collection method: curation. Allele origin: germline.
Comment: The FANCE c.901-5C>A variant has not been reported in the literature to our knowledge. It was not observed in the large and broad cohorts of the Genome Aggregation Database. The variant has not been reported in ClinVar. In silico tools suggest that the variant does not impact splicing, though these predictions have not been confirmed by functional studies. The evidence is insufficient to meet ACMG/AMP criteria for classifying the variant as benign or pathogenic. Thus, the clinical significance of this variant is currently uncertain.

NM_021922.3(FANCE):c.901-5C>A

Gene: FANCE (FA complementation group E; plus strand). Cytogenetic location: 6p21.31.
Variant type: single nucleotide variant.
Coding change: c.901-5C>A on transcript NM_021922.3 (MANE Select); 5 bases into the intron before coding-DNA position 901, C replaced by A.
Molecular consequence: intron variant.
Genome position (GRCh38, 1-based): chr6:35,457,911, C>A. VCF-style: chr6-35457911-C-A. GRCh37 (hg19) VCF-style: chr6-35425688-C-A.
Identifiers: ClinVar variation 1691921 (VCV001691921.1), dbSNP rs747168225, ClinGen allele CA3771528.